The following is an entry in ClinVar:

NM_001395656.1(ROBO2):c.546T>A (p.Ser182Arg)

Gene: ROBO2 (roundabout guidance receptor 2; plus strand). Cytogenetic location: 3p12.3.
Variant type: single nucleotide variant.
Coding change: c.546T>A on transcript NM_001395656.1 (MANE Select); coding-DNA position 546, T replaced by A.
Protein change: p.Ser182Arg; replaces serine 182 with arginine.
Molecular consequence: missense variant. On other transcripts: 5 prime UTR variant (1).
Genome position (GRCh38, 1-based): chr3:77,477,571, T>A. VCF-style: chr3-77477571-T-A. GRCh37 (hg19) VCF-style: chr3-77526722-T-A.
Other names: c.594T>A, p.Ser198Arg (NM_001128929.3, NM_001378190.1, NM_001378191.1 and 5 more transcripts); c.546T>A, p.Ser182Arg (NM_001290039.2, NM_001290040.2, NM_001378193.1 and 3 more transcripts); c.-1373T>A (NM_001290065.2); c.615T>A, p.Ser205Arg (NM_001378192.1, NM_001378194.1, NM_001378198.1 and 5 more transcripts); short protein forms S182R, S198R, S205R.
Identifiers: ClinVar variation 4801004 (VCV004801004.1).

ClinVar aggregate classification (germline): Uncertain significance (1 of 4 stars; one submission).

gnomAD v4.1: 45 of 1,613,776 alleles (0.0028%); highest among the groups gnomAD compares: African/African-American, 0.059%; no homozygotes.

Submission:

Labcorp Genetics (formerly Invitae), Labcorp
Classification: Uncertain significance. Last evaluated: 2025-04-05. Review status: criteria provided, single submitter. Criteria: Invitae Variant Classification Sherloc (09022015). Collection method: clinical testing. Allele origin: germline.
Comment: This sequence change replaces serine, which is neutral and polar, with arginine, which is basic and polar, at codon 182 of the ROBO2 protein (p.Ser182Arg). This variant is present in population databases (rs201116159, gnomAD 0.06%), and has an allele count higher than expected for a pathogenic variant. This variant has not been reported in the literature in individuals affected with ROBO2-related conditions. An algorithm developed to predict the effect of missense changes on protein structure and function (PolyPhen-2) suggests that this variant is likely to be tolerated. In summary, the available evidence is currently insufficient to determine the role of this variant in disease. Therefore, it has been classified as a Variant of Uncertain Significance.